The following is an entry in ClinVar:

NM_004260.4(RECQL4):c.338T>C (p.Leu113Pro)

Gene: RECQL4 (RecQ like helicase 4; minus strand). Cytogenetic location: 8q24.3.
Variant type: single nucleotide variant.
Coding change: c.338T>C on transcript NM_004260.4 (MANE Select); coding-DNA position 338, T replaced by C.
Protein change: p.Leu113Pro; replaces leucine 113 with proline.
Molecular consequence: missense variant. On other transcripts: 5 prime UTR variant (17), non-coding transcript variant (3).
Genome position (GRCh38, 1-based): chr8:144,517,066, A>G on the plus strand (T>C on the coding strand, the complement: RECQL4 is on the minus strand). VCF-style: chr8-144517066-A-G. GRCh37 (hg19) VCF-style: chr8-145742450-A-G.
Other names: c.338T>C, p.Leu113Pro (NM_001413017.1, NM_001413018.1, NM_001413019.1 and 5 more transcripts); c.-383T>C (NM_001413021.1); c.-734T>C (NM_001413022.1, NM_001413023.1, NM_001413037.1 and 3 more transcripts); c.-631T>C (NM_001413024.1, NM_001413035.1); c.209T>C, p.Leu70Pro (NM_001413025.1); c.-796T>C (NM_001413027.1, NM_001413030.1, NM_001413031.1 and 1 more transcripts); c.-459T>C (NM_001413028.1); c.-693T>C (NM_001413032.1); and 2 more; short protein forms L70P, L113P.
Identifiers: ClinVar variation 3788016 (VCV003788016.1).
Genomic context (GRCh38, chr8:144,517,066, plus strand): 5'-CAGCTGTGGACCTAGCGTGGACTCACTGCCTGCCCACTCCTCACCTGCAGGGTGCCTTTC[A>G]GATTGGCCTTGAGCCGCTGCCCGTAGTCCGGCACCGAGCCCTGGCGGCTCCGCCCTGGCG-3'
Protein context (NP_004251.4, residues 103-123): PDYGQRLKAN[Leu113Pro]KGTLQAGPAL

ClinVar aggregate classification (germline): Uncertain significance (1 of 4 stars; one submission).

Conditions:
Inborn genetic diseases. Identifiers: MedGen C0950123, MeSH D030342.

gnomAD v4.1: 2 of 1,610,970 alleles (0.00012%); highest among the groups gnomAD compares: Non-Finnish European, 0.00017%; no homozygotes.

Submission:

Ambry Genetics
Classification: Uncertain significance for Inborn genetic diseases. Last evaluated: 2025-02-01. Review status: criteria provided, single submitter. Criteria: Ambry Variant Classification Scheme 2023. Collection method: clinical testing. Allele origin: germline.
Comment: The p.L113P variant (also known as c.338T>C), located in coding exon 4 of the RECQL4 gene, results from a T to C substitution at nucleotide position 338. The leucine at codon 113 is replaced by proline, an amino acid with similar properties. This amino acid position is conserved. In addition, the in silico prediction for this alteration is inconclusive. Based on the available evidence, the clinical significance of this variant remains unclear.